The following is an entry in ClinVar:

NM_003801.4(GPAA1):c.19C>T (p.Pro7Ser)

Genes: GPAA1 (glycosylphosphatidylinositol anchor attachment 1; plus strand), LOC130001364 (ATAC-STARR-seq lymphoblastoid silent region 19654; plus strand). Cytogenetic location: 8q24.3.
Variant type: single nucleotide variant.
Coding change: c.19C>T on transcript NM_003801.4 (MANE Select); coding-DNA position 19, C replaced by T.
Protein change: p.Pro7Ser; replaces proline 7 with serine.
Molecular consequence: missense variant.
Genome position (GRCh38, 1-based): chr8:144,082,749, C>T. VCF-style: chr8-144082749-C-T. GRCh37 (hg19) VCF-style: chr8-145137652-C-T.
Other names: c.19C>T (NM_003801.3); short protein forms P7S.
Identifiers: ClinVar variation 1514585 (VCV001514585.4), dbSNP rs781957928, ClinGen allele CA4932686.
Genomic context (GRCh38, chr8:144,082,749, plus strand): 5'-GGAGGCGGGAGAGGGTCCGTAGCCGCGCCGCCCTGCCCCGCCATGGGCCTCCTGTCGGAC[C>T]CGGTTCGCCGGCGCGCGCTCGCCCGCCTAGTGCTGCGCCTCAACGCGCCGTTGTGGTGAG-3'
Protein context (NP_003792.1, residues 1-17): MGLLSD[Pro7Ser]VRRRALARLV

ClinVar aggregate classification (germline): Uncertain significance. Review status: criteria provided, multiple submitters, no conflicts (2 of 4 stars). 2 submissions from 2 submitters: Uncertain significance (2). Last evaluated 2025-08-29.

Conditions:
Inborn genetic diseases. Identifiers: MedGen C0950123, MeSH D030342.

Allele frequency attached by ClinVar (database versions not stated): gnomAD 0.00005 and 0.00006; TOPMed 0.00005; gnomAD exomes 0.00008 and 0.00015; ExAC 0.00014.

Submissions (2):

Ambry Genetics
Classification: Uncertain significance for Inborn genetic diseases. Last evaluated: 2025-08-29. Review status: criteria provided, single submitter. Criteria: Ambry Variant Classification Scheme 2023. Collection method: clinical testing. Allele origin: germline.

Labcorp Genetics (formerly Invitae), Labcorp
Classification: Uncertain significance. Last evaluated: 2022-07-28. Review status: criteria provided, single submitter. Criteria: Invitae Variant Classification Sherloc (09022015). Collection method: clinical testing. Allele origin: germline.
Comment: This sequence change replaces proline, which is neutral and non-polar, with serine, which is neutral and polar, at codon 7 of the GPAA1 protein (p.Pro7Ser). This variant is present in population databases (rs781957928, gnomAD 0.01%). This variant has not been reported in the literature in individuals affected with GPAA1-related conditions. ClinVar contains an entry for this variant (Variation ID: 1514585). Algorithms developed to predict the effect of missense changes on protein structure and function output the following: SIFT: "Tolerated"; PolyPhen-2: "Benign"; Align-GVGD: "Class C0". The serine amino acid residue is found in multiple mammalian species, which suggests that this missense change does not adversely affect protein function. In summary, the available evidence is currently insufficient to determine the role of this variant in disease. Therefore, it has been classified as a Variant of Uncertain Significance.